The following is an entry in ClinVar:

ClinVar aggregate classification (germline): Likely benign. Review status: criteria provided, multiple submitters, no conflicts (2 of 4 stars). 2 submissions from 2 submitters: Likely benign (2). Last evaluated 2025-03-01.

Submissions (2):

CeGaT Center for Human Genetics Tuebingen
Classification: Likely benign. Last evaluated: 2025-03-01. Review status: criteria provided, single submitter. Criteria: CeGaT Center For Human Genetics Tuebingen Variant Classification Criteria Version 2. Collection method: clinical testing. Allele origin: germline. Affected: yes. Observed: 1 variant allele.
Comment: ZNF469: PM2:Supporting, BP4, BP7

Labcorp Genetics (formerly Invitae), Labcorp
Classification: Likely benign. Last evaluated: 2023-09-05. Review status: criteria provided, single submitter. Criteria: Invitae Variant Classification Sherloc (09022015). Collection method: clinical testing. Allele origin: germline.

NM_001367624.2(ZNF469):c.1227G>A (p.Gln409=)

Gene: ZNF469 (zinc finger protein 469; plus strand). Cytogenetic location: 16q24.2.
Variant type: single nucleotide variant.
Coding change: c.1227G>A on transcript NM_001367624.2 (MANE Select); coding-DNA position 1227, G replaced by A.
Protein change: p.Gln409=; no amino-acid change (glutamine 409 retained).
Molecular consequence: synonymous variant.
Genome position (GRCh38, 1-based): chr16:88,428,697, G>A. VCF-style: chr16-88428697-G-A. GRCh37 (hg19) VCF-style: chr16-88495105-G-A.
Identifiers: ClinVar variation 2793658 (VCV002793658.10), dbSNP rs2507574157, ClinGen allele CA497353170.